The following is an entry in ClinVar:

NM_024747.6(HPS6):c.1978G>A (p.Gly660Ser)

Gene: HPS6 (HPS6 biogenesis of lysosomal organelles complex 2 subunit 3; plus strand). Cytogenetic location: 10q24.32.
Variant type: single nucleotide variant.
Coding change: c.1978G>A on transcript NM_024747.6 (MANE Select); coding-DNA position 1978, G replaced by A.
Protein change: p.Gly660Ser; replaces glycine 660 with serine.
Molecular consequence: missense variant.
Genome position (GRCh38, 1-based): chr10:102,067,452, G>A. VCF-style: chr10-102067452-G-A. GRCh37 (hg19) VCF-style: chr10-103827209-G-A.
Other names: p.Gly660Ser; c.1978G>A (NM_024747.5); short protein forms G660S.
Identifiers: ClinVar variation 1041878 (VCV001041878.10), dbSNP rs774233041, ClinGen allele CA5660077.
Genomic context (GRCh38, chr10:102,067,452, plus strand): 5'-GTCGGGCAGCTGGTGCAAAAGGAACAATGGGATCGGGCTCTGGATGCTGGCCTGGCCCTC[G>A]GCCCCTCCAGTCCCCTGCTTCGAAGTGAAATCTTCAAACTGCTGCTGGCCGAGTTTGCCC-3'
Protein context (NP_079023.2, residues 650-670): DRALDAGLAL[Gly660Ser]PSSPLLRSEI

ClinVar aggregate classification (germline): Conflicting classifications of pathogenicity. Review status: criteria provided, conflicting classifications (1 of 4 stars). 4 submissions from 4 submitters: Uncertain significance (3); Likely benign (1). Last evaluated 2024-12-11.

Conditions:
Inborn genetic diseases. Identifiers: MedGen C0950123, MeSH D030342.

Allele frequency attached by ClinVar (database versions not stated): gnomAD 0.00002; TOPMed 0.00002.
gnomAD v4.1: 35 of 1,613,348 alleles (0.0022%); highest among the groups gnomAD compares: Middle Eastern, 0.016%; no homozygotes.

Submissions (4):

Ambry Genetics
Classification: Likely benign for Inborn genetic diseases. Last evaluated: 2024-12-11. Review status: criteria provided, single submitter. Criteria: Ambry Variant Classification Scheme 2023. Collection method: clinical testing. Allele origin: germline.

Labcorp Genetics (formerly Invitae), Labcorp
Classification: Uncertain significance. Last evaluated: 2024-11-07. Review status: criteria provided, single submitter. Criteria: Invitae Variant Classification Sherloc (09022015). Collection method: clinical testing. Allele origin: germline.
Comment: This sequence change replaces glycine, which is neutral and non-polar, with serine, which is neutral and polar, at codon 660 of the HPS6 protein (p.Gly660Ser). This variant is present in population databases (rs774233041, gnomAD 0.006%). This variant has not been reported in the literature in individuals affected with HPS6-related conditions. ClinVar contains an entry for this variant (Variation ID: 1041878). Invitae Evidence Modeling of protein sequence and biophysical properties (such as structural, functional, and spatial information, amino acid conservation, physicochemical variation, residue mobility, and thermodynamic stability) indicates that this missense variant is not expected to disrupt HPS6 protein function with a negative predictive value of 80%. In summary, the available evidence is currently insufficient to determine the role of this variant in disease. Therefore, it has been classified as a Variant of Uncertain Significance.

Blueprint Genetics
Classification: Uncertain significance. Last evaluated: 2024-09-12. Review status: criteria provided, single submitter. Criteria: ACMG Guidelines, 2015. Collection method: clinical testing. Allele origin: germline.

Mayo Clinic Laboratories, Mayo Clinic
Classification: Uncertain significance. Last evaluated: 2023-10-05. Review status: criteria provided, single submitter. Criteria: ACMG Guidelines, 2015. Collection method: clinical testing. Allele origin: germline. Observed: 1 variant allele.
Comment: BP4